The following is an entry in ClinVar:

NM_213655.5(WNK1):c.2957C>G (p.Pro986Arg)

Gene: WNK1 (WNK lysine deficient protein kinase 1; plus strand). Cytogenetic location: 12p13.33.
Variant type: single nucleotide variant.
Coding change: c.2957C>G on transcript NM_213655.5 (MANE Plus Clinical); coding-DNA position 2957, C replaced by G.
Protein change: p.Pro986Arg; replaces proline 986 with arginine.
Molecular consequence: missense variant. On other transcripts: intron variant (2).
Genome position (GRCh38, 1-based): chr12:868,428, C>G. VCF-style: chr12-868428-C-G. GRCh37 (hg19) VCF-style: chr12-977594-C-G.
Other names: c.2702C>G, p.Pro901Arg (NM_001184985.2); c.2140-2837C>G (NM_018979.4, NM_014823.3); short protein forms P986R, P901R.
Identifiers: ClinVar variation 1798116 (VCV001798116.8), dbSNP rs374783223, ClinGen allele CA6382271.

ClinVar aggregate classification (germline): Uncertain significance. Review status: criteria provided, multiple submitters, no conflicts (2 of 4 stars). 2 submissions from 2 submitters: Uncertain significance (2). Last evaluated 2025-07-27.

Conditions:
Pseudohypoaldosteronism type 2C (PHA2C). Also called: Pseudohypoaldosteronism Type IIC. Identifiers: Orphanet 757, Orphanet 88940, MedGen C1840391, MONDO:0013778, OMIM 614492.
Neuropathy, hereditary sensory and autonomic, type 2A (HSAN2A). Also called: ACROOSTEOLYSIS, GIACCAI TYPE; ACROOSTEOLYSIS, NEUROGENIC; MORVAN DISEASE; NEUROPATHY, CONGENITAL SENSORY; NEUROPATHY, HEREDITARY SENSORY RADICULAR, AUTOSOMAL RECESSIVE; HSAN IIA. Identifiers: Orphanet 970, MedGen C2752089, MONDO:0024309, OMIM 201300.
Inborn genetic diseases. Identifiers: MedGen C0950123, MeSH D030342.

Allele frequency attached by ClinVar (database versions not stated): ESP Exome Variant Server 0.00008; ExAC 0.00001; gnomAD 0.00003; TOPMed 0.00005.
gnomAD v4.1: 8 of 1,613,848 alleles (0.0005%); highest among the groups gnomAD compares: African/African-American, 0.011%; no homozygotes.

Submissions (2):

Labcorp Genetics (formerly Invitae), Labcorp
Classification: Uncertain significance for Neuropathy, hereditary sensory and autonomic, type 2A; Pseudohypoaldosteronism type 2C. Last evaluated: 2025-07-27. Review status: criteria provided, single submitter. Criteria: Invitae Variant Classification Sherloc (09022015). Collection method: clinical testing. Allele origin: germline.
Comment: This sequence change replaces proline, which is neutral and non-polar, with arginine, which is basic and polar, at codon 986 of the WNK1 protein (p.Pro986Arg). This variant is present in population databases (rs374783223, gnomAD 0.008%). This variant has not been reported in the literature in individuals affected with WNK1-related conditions. ClinVar contains an entry for this variant (Variation ID: 1798116). Invitae Evidence Modeling of protein sequence and biophysical properties (such as structural, functional, and spatial information, amino acid conservation, physicochemical variation, residue mobility, and thermodynamic stability) indicates that this missense variant is not expected to disrupt WNK1 protein function with a negative predictive value of 95%. In summary, the available evidence is currently insufficient to determine the role of this variant in disease. Therefore, it has been classified as a Variant of Uncertain Significance.

Ambry Genetics
Classification: Uncertain significance for Inborn genetic diseases. Last evaluated: 2022-01-05. Review status: criteria provided, single submitter. Criteria: Ambry Variant Classification Scheme 2023. Collection method: clinical testing. Allele origin: germline.
Comment: The p.P986R variant (also known as c.2957C>G), located in coding exon 10 of the WNK1 gene, results from a C to G substitution at nucleotide position 2957. The proline at codon 986 is replaced by arginine, an amino acid with dissimilar properties. This amino acid position is well conserved in available vertebrate species. In addition, this alteration is predicted to be tolerated by in silico analysis. Since supporting evidence is limited at this time, the clinical significance of this alteration remains unclear.